The following is an entry in ClinVar:

ClinVar aggregate classification (germline): Uncertain significance (1 of 4 stars; one submission).

Submission:

CeGaT Center for Human Genetics Tuebingen
Classification: Uncertain significance. Last evaluated: 2024-02-01. Review status: criteria provided, single submitter. Criteria: CeGaT Center For Human Genetics Tuebingen Variant Classification Criteria Version 2. Collection method: clinical testing. Allele origin: germline. Affected: yes. Observed: 1 variant allele.
Comment: DPP6: PM2

NM_130797.4(DPP6):c.1979G>A (p.Cys660Tyr)

Gene: DPP6 (dipeptidyl peptidase like 6; plus strand). Cytogenetic location: 7q36.2.
Variant type: single nucleotide variant.
Coding change: c.1979G>A on transcript NM_130797.4 (MANE Select); coding-DNA position 1979, G replaced by A.
Protein change: p.Cys660Tyr; replaces cysteine 660 with tyrosine.
Molecular consequence: missense variant. On other transcripts: non-coding transcript variant (2).
Genome position (GRCh38, 1-based): chr7:154,876,001, G>A. VCF-style: chr7-154876001-G-A. GRCh37 (hg19) VCF-style: chr7-154667711-G-A.
Other names: c.1787G>A, p.Cys596Tyr (NM_001039350.3); c.1658G>A, p.Cys553Tyr (NM_001290252.2); c.1796G>A, p.Cys599Tyr (NM_001364497.2, NM_001364498.2, NM_001364499.2 and 1 more transcripts); c.1793G>A, p.Cys598Tyr (NM_001936.5); short protein forms C553Y, C596Y, C598Y, C599Y, C660Y.
Identifiers: ClinVar variation 3027026 (VCV003027026.22), dbSNP rs2486918918, ClinGen allele CA370115265.